The following is an entry in ClinVar:

NM_000168.6(GLI3):c.368-248C>T

Gene: GLI3 (GLI family zinc finger 3; minus strand). Cytogenetic location: 7p14.1.
Variant type: single nucleotide variant.
Coding change: c.368-248C>T on transcript NM_000168.6 (MANE Select); 248 bases into the intron before coding-DNA position 368, C replaced by T.
Molecular consequence: intron variant.
Genome position (GRCh38, 1-based): chr7:42,077,105, G>A on the plus strand (C>T on the coding strand, the complement: GLI3 is on the minus strand). VCF-style: chr7-42077105-G-A. GRCh37 (hg19) VCF-style: chr7-42116704-G-A.
Identifiers: ClinVar variation 681334 (VCV000681334.1), dbSNP rs17172004, ClinGen allele CA15525015.
Genomic context (GRCh38, chr7:42,077,105, plus strand): 5'-GTGCCTGCACCTACCTGAGAAGGCAGAGCCTGGGACTGACTGCAACTCAAACCCAGACAC[G>A]AAAGCAAGAAAGAGAGGAGCAACACAGGCTCCCTATCTTGAAAGACAGGCTGACCAGAGG-3'

ClinVar aggregate classification (germline): Benign (1 of 4 stars; one submission).

Allele frequency attached by ClinVar (database versions not stated): TOPMed 0.08983; 1000 Genomes Project 0.09844; 1000 Genomes Project 30x 0.10431.
gnomAD v4.1: 12,444 of 152,164 alleles (8.2%); highest among the groups gnomAD compares: African/African-American, 22%; 1,046 homozygotes.

Submission:

GeneDx
Classification: Benign. Last evaluated: 2018-06-19. Review status: criteria provided, single submitter. Criteria: GeneDx Variant Classification (06012015). Collection method: clinical testing. Allele origin: germline. Affected: yes.
Comment: This variant is considered likely benign or benign based on one or more of the following criteria: it is a conservative change, it occurs at a poorly conserved position in the protein, it is predicted to be benign by multiple in silico algorithms, and/or has population frequency not consistent with disease.